The following is an entry in ClinVar:

NM_001009944.3(PKD1):c.1136dup (p.Asn379fs)

Gene: PKD1 (polycystin 1, transient receptor potential channel interacting; minus strand). Cytogenetic location: 16p13.3.
Variant type: Duplication.
Coding change: c.1136dup on transcript NM_001009944.3 (MANE Select); coding-DNA position 1136, one base duplicated (A; older notation c.1136dupA).
Protein change: p.Asn379fs; shifts the reading frame from asparagine 379.
Molecular consequence: frameshift variant.
Genome position (GRCh38, 1-based): chr16:2,117,856, T duplicated on the plus strand (A on the coding strand, the reverse complement: PKD1 is on the minus strand); the first of 2 consecutive T bases (chr16:2,117,856-2,117,857); duplicating either gives the same sequence. VCF-style (leftmost placement, unchanged base first): chr16-2117855-G-GT. GRCh37 (hg19) VCF-style: chr16-2167856-G-GT.
Other names: c.1136dup, p.Asn379fs (NM_000296.4); c.1136dup (NM_001009944.2); short protein forms N379fs.
Identifiers: ClinVar variation 974531 (VCV000974531.2), dbSNP rs2092665918, ClinGen allele CA1139664402.

ClinVar aggregate classification (germline): Pathogenic. Review status: criteria provided, multiple submitters, no conflicts (2 of 4 stars). 2 submissions from 2 submitters: Pathogenic (2). Last evaluated 2024-02-08.

Conditions:
Polycystic kidney disease, adult type (PKD1). Also called: Polycystic Kidney Disease 1, Autosomal Dominant; Polycystic kidney disease 1; Polycystic kidney disease 1, severe; Polycystic Kidney, Autosomal Dominant; POLYCYSTIC KIDNEY DISEASE 1 WITH OR WITHOUT POLYCYSTIC LIVER DISEASE; POLYCYSTIC KIDNEY DISEASE, ADULT, TYPE I. Identifiers: MedGen C3149841, MONDO:0008263, OMIM 173900.

Submissions (2):

GeneDx
Classification: Pathogenic. Last evaluated: 2024-02-08. Review status: criteria provided, single submitter. Criteria: GeneDx Variant Classification Process June 2021. Collection method: clinical testing. Allele origin: germline. Affected: yes.
Comment: Frameshift variant predicted to result in protein truncation or nonsense mediated decay in a gene for which loss of function is a known mechanism of disease; Not observed at significant frequency in large population cohorts (gnomAD); This variant is associated with the following publications: (PMID: 33532864)

Molecular Biology Laboratory, Fundació Puigvert
Classification: Pathogenic for Polycystic kidney disease, adult type. Last evaluated: 2020-02-01. Review status: criteria provided, single submitter. Criteria: ACMG Guidelines, 2015. Collection method: research. Allele origin: maternal. Affected: yes. Study: KidneyPanel_2020.

Literature cited by the submitters: PubMed 33532864 (cited by Molecular Biology Laboratory, Fundació Puigvert).